The following is an entry in ClinVar:

ClinVar aggregate classification (germline): Likely benign. Review status: criteria provided, single submitter (1 of 4 stars). 2 submissions from 2 submitters: Likely benign (1). 1 of the submissions does not count toward it. Last evaluated 2024-02-05.

Conditions:
AHDC1-related disorder. Also called: AHDC1-related condition.

Submissions (2):

Labcorp Genetics (formerly Invitae), Labcorp
Classification: Likely benign. Last evaluated: 2024-02-05. Review status: criteria provided, single submitter. Criteria: Invitae Variant Classification Sherloc (09022015). Collection method: clinical testing. Allele origin: germline.

PreventionGenetics, part of Exact Sciences
Classification: Uncertain significance for AHDC1-related condition. Last evaluated: 2024-03-13. Review status: no assertion criteria provided. Collection method: clinical testing. Allele origin: germline. Not counted in ClinVar's aggregate classification.
Comment: The AHDC1 c.2606G>A variant is predicted to result in the amino acid substitution p.Gly869Asp. To our knowledge, this variant has not been reported in the literature or in a large population database, indicating this variant is rare. At this time, the clinical significance of this variant is uncertain due to the absence of conclusive functional and genetic evidence.

NM_001371928.1(AHDC1):c.2606G>A (p.Gly869Asp)

Gene: AHDC1 (AT-hook DNA binding motif containing 1; minus strand). Cytogenetic location: 1p36.11.
Variant type: single nucleotide variant.
Coding change: c.2606G>A on transcript NM_001371928.1 (MANE Select); coding-DNA position 2606, G replaced by A.
Protein change: p.Gly869Asp; replaces glycine 869 with aspartic acid.
Molecular consequence: missense variant.
Genome position (GRCh38, 1-based): chr1:27,549,510, C>T on the plus strand (G>A on the coding strand, the complement: AHDC1 is on the minus strand). VCF-style: chr1-27549510-C-T. GRCh37 (hg19) VCF-style: chr1-27876021-C-T.
Other names: c.2606G>A, p.Gly869Asp (NM_001029882.3); short protein forms G869D.
Identifiers: ClinVar variation 2750947 (VCV002750947.4), dbSNP rs2521927811, ClinGen allele CA339230175.